The following is an entry in ClinVar:

ClinVar aggregate classification (germline): Uncertain significance. Review status: criteria provided, multiple submitters, no conflicts (2 of 4 stars). 2 submissions from 2 submitters: Uncertain significance (2). Last evaluated 2023-01-30.

Conditions:
Dyskeratosis congenita. Identifiers: Orphanet 1775, MedGen C0265965, MONDO:0015780.
Dyskeratosis congenita, autosomal dominant 2. Identifiers: MedGen C3151443, MONDO:0013521, OMIM 613989.
Idiopathic Pulmonary Fibrosis. Also called: Idiopathic fibrosing alveolitis, chronic form; idiopathic fibrosing alveolitis. Identifiers: Orphanet 2032, MedGen C1800706, MeSH D054990, MONDO:0800504.

gnomAD v4.1: 6 of 1,549,740 alleles (0.00039%); highest among the groups gnomAD compares: Non-Finnish European, 0.00052%; no homozygotes.

Submissions (2):

Labcorp Genetics (formerly Invitae), Labcorp
Classification: Uncertain significance for Dyskeratosis congenita, autosomal dominant 2; Idiopathic Pulmonary Fibrosis. Last evaluated: 2023-01-30. Review status: criteria provided, single submitter. Criteria: Invitae Variant Classification Sherloc (09022015). Collection method: clinical testing. Allele origin: germline.
Comment: In summary, the available evidence is currently insufficient to determine the role of this variant in disease. Therefore, it has been classified as a Variant of Uncertain Significance. Advanced modeling of protein sequence and biophysical properties (such as structural, functional, and spatial information, amino acid conservation, physicochemical variation, residue mobility, and thermodynamic stability) performed at Invitae indicates that this missense variant is not expected to disrupt TERT protein function. ClinVar contains an entry for this variant (Variation ID: 1770360). This variant has not been reported in the literature in individuals affected with TERT-related conditions. This variant is not present in population databases (gnomAD no frequency). This sequence change replaces arginine, which is basic and polar, with leucine, which is neutral and non-polar, at codon 447 of the TERT protein (p.Arg447Leu).

Ambry Genetics
Classification: Uncertain significance for Dyskeratosis congenita. Last evaluated: 2022-02-22. Review status: criteria provided, single submitter. Criteria: Ambry Variant Classification Scheme 2023. Collection method: clinical testing. Allele origin: germline.
Comment: The p.R447L variant (also known as c.1340G>T), located in coding exon 2 of the TERT gene, results from a G to T substitution at nucleotide position 1340. The arginine at codon 447 is replaced by leucine, an amino acid with dissimilar properties. This amino acid position is conserved. In addition, this alteration is predicted to be tolerated by in silico analysis. Since supporting evidence is limited at this time, the clinical significance of this alteration remains unclear.

NM_198253.3(TERT):c.1340G>T (p.Arg447Leu)

Gene: TERT (telomerase reverse transcriptase; minus strand). Cytogenetic location: 5p15.33.
Variant type: single nucleotide variant.
Coding change: c.1340G>T on transcript NM_198253.3 (MANE Select); coding-DNA position 1340, G replaced by T.
Protein change: p.Arg447Leu; replaces arginine 447 with leucine.
Molecular consequence: missense variant. On other transcripts: non-coding transcript variant (2).
Genome position (GRCh38, 1-based): chr5:1,293,546, C>A on the plus strand (G>T on the coding strand, the complement: TERT is on the minus strand). VCF-style: chr5-1293546-C-A. GRCh37 (hg19) VCF-style: chr5-1293661-C-A.
Other names: c.1340G>T, p.Arg447Leu (NM_001193376.3, NM_003219.1); short protein forms R447L.
Identifiers: ClinVar variation 1770360 (VCV001770360.7), dbSNP rs1751132830, ClinGen allele CA359086100.
Genomic context (GRCh38, chr5:1,293,546, plus strand): 5'-GCCCGCACGAAGCCGTACACCTGCCAGGGGCTGCTGTGCTGGCGGAGCAGCTGCACCAGG[C>A]GACGGGGGTCTGTGTCCTCCTCCTCGGGGGCCGCCACAGAGCCCTGGGGCTTCTCCCGGG-3'
Protein context (NP_937983.2, residues 437-457): APEEEDTDPR[Arg447Leu]LVQLLRQHSS